The following is an entry in ClinVar:

NM_017654.4(SAMD9):c.859C>T (p.Pro287Ser)

Gene: SAMD9 (sterile alpha motif domain containing 9; minus strand). Cytogenetic location: 7q21.2.
Variant type: single nucleotide variant.
Coding change: c.859C>T on transcript NM_017654.4 (MANE Select); coding-DNA position 859, C replaced by T.
Protein change: p.Pro287Ser; replaces proline 287 with serine.
Molecular consequence: missense variant.
Genome position (GRCh38, 1-based): chr7:93,105,239, G>A on the plus strand (C>T on the coding strand, the complement: SAMD9 is on the minus strand). VCF-style: chr7-93105239-G-A. GRCh37 (hg19) VCF-style: chr7-92734552-G-A.
Other names: c.859C>T, p.Pro287Ser (NM_001193307.2); short protein forms P287S.
Identifiers: ClinVar variation 1467780 (VCV001467780.6), dbSNP rs762068763, ClinGen allele CA4343069.

ClinVar aggregate classification (germline): Uncertain significance (1 of 4 stars; one submission).

Allele frequency attached by ClinVar (database versions not stated): gnomAD exomes below 0.00001; ExAC 0.00001; gnomAD 0.00001.

Submission:

Labcorp Genetics (formerly Invitae), Labcorp
Classification: Uncertain significance. Last evaluated: 2021-11-30. Review status: criteria provided, single submitter. Criteria: Invitae Variant Classification Sherloc (09022015). Collection method: clinical testing. Allele origin: germline.
Comment: This sequence change replaces proline, which is neutral and non-polar, with serine, which is neutral and polar, at codon 287 of the SAMD9 protein (p.Pro287Ser). In summary, the available evidence is currently insufficient to determine the role of this variant in disease. Therefore, it has been classified as a Variant of Uncertain Significance. Algorithms developed to predict the effect of missense changes on protein structure and function are either unavailable or do not agree on the potential impact of this missense change (SIFT: "Deleterious"; PolyPhen-2: "Probably Damaging"; Align-GVGD: "Class C0"). This variant has not been reported in the literature in individuals affected with SAMD9-related conditions. This variant is present in population databases (rs762068763, gnomAD 0.003%).